The following is an entry in ClinVar:

ClinVar aggregate classification (germline): Uncertain significance (1 of 4 stars; one submission).

Conditions:
Cardiovascular phenotype. Identifiers: MedGen CN230736.

Allele frequency attached by ClinVar (database versions not stated): TOPMed 0.00001.

Submission:

Ambry Genetics
Classification: Uncertain significance for Cardiovascular phenotype. Last evaluated: 2021-09-20. Review status: criteria provided, single submitter. Criteria: Ambry Variant Classification Scheme 2023. Collection method: clinical testing. Allele origin: germline.
Comment: The p.A484V variant (also known as c.1451C>T), located in coding exon 10 of the LMF1 gene, results from a C to T substitution at nucleotide position 1451. The alanine at codon 484 is replaced by valine, an amino acid with similar properties. This amino acid position is conserved. In addition, this alteration is predicted to be tolerated by in silico analysis. Since supporting evidence is limited at this time, the clinical significance of this alteration remains unclear.

NM_022773.4(LMF1):c.1451C>T (p.Ala484Val)

Gene: LMF1 (lipase maturation factor 1; minus strand). Cytogenetic location: 16p13.3.
Variant type: single nucleotide variant.
Coding change: c.1451C>T on transcript NM_022773.4 (MANE Select); coding-DNA position 1451, C replaced by T.
Protein change: p.Ala484Val; replaces alanine 484 with valine.
Molecular consequence: missense variant. On other transcripts: synonymous variant (1), non-coding transcript variant (1).
Genome position (GRCh38, 1-based): chr16:869,022, G>A on the plus strand (C>T on the coding strand, the complement: LMF1 is on the minus strand). VCF-style: chr16-869022-G-A. GRCh37 (hg19) VCF-style: chr16-919022-G-A.
Other names: c.800C>T, p.Ala267Val (NM_001352017.2, NM_001352021.2); c.1052C>T, p.Ala351Val (NM_001352018.2); c.1124C>T, p.Ala375Val (NM_001352019.2); c.1371C>T, p.Gly457= (NM_001352020.1); short protein forms A375V, A484V, A351V, A267V.
Identifiers: ClinVar variation 1772962 (VCV001772962.2), dbSNP rs1181212853, ClinGen allele CA394121743.